The following is an entry in ClinVar:

NM_016343.4(CENPF):c.330A>G (p.Gln110=)

Genes: CENPF (centromere protein F; plus strand), LOC126806006 (BRD4-independent group 4 enhancer GRCh37_chr1:214788162-214789361; plus strand). Cytogenetic location: 1q41.
Variant type: single nucleotide variant.
Coding change: c.330A>G on transcript NM_016343.4 (MANE Select); coding-DNA position 330, A replaced by G.
Protein change: p.Gln110=; no amino-acid change (glutamine 110 retained).
Molecular consequence: synonymous variant.
Genome position (GRCh38, 1-based): chr1:214,614,999, A>G. VCF-style: chr1-214614999-A-G. GRCh37 (hg19) VCF-style: chr1-214788342-A-G.
Identifiers: ClinVar variation 2173929 (VCV002173929.15), dbSNP rs144231687, ClinGen allele CA1389716.
Genomic context (GRCh38, chr1:214,614,999, plus strand): 5'-TCAAGTCAAGGAGTCACAAGTGAATTTCCAGGAAGGACAACTGAATTCAGGCAAAAAACA[A>G]ATAGAAAAACTGGAACAGGAACTTAAAAGGTAATATTTTGGGATGGTATTTATAGGGATG-3'
Protein context (NP_057427.3, residues 100-120): QEGQLNSGKK[Gln110=]IEKLEQELKR

ClinVar aggregate classification (germline): Likely benign. Review status: criteria provided, multiple submitters, no conflicts (2 of 4 stars). 3 submissions from 3 submitters: Likely benign (3). Last evaluated 2025-06-01.

Allele frequency attached by ClinVar (database versions not stated): TOPMed 0.00018; 1000 Genomes Project 0.00020; gnomAD 0.00022; gnomAD exomes 0.00030; 1000 Genomes Project 30x 0.00031; ESP Exome Variant Server 0.00031; ExAC 0.00048.
gnomAD v4.1: 468 of 1,603,238 alleles (0.029%); highest among the groups gnomAD compares: Non-Finnish European, 0.033%; 1 homozygote.

Submissions (3):

CeGaT Center for Human Genetics Tuebingen
Classification: Likely benign. Last evaluated: 2025-06-01. Review status: criteria provided, single submitter. Criteria: CeGaT Center For Human Genetics Tuebingen Variant Classification Criteria Version 2. Collection method: clinical testing. Allele origin: germline. Affected: yes. Observed: 1 variant allele.
Comment: CENPF: BP4, BP7

Labcorp Genetics (formerly Invitae), Labcorp
Classification: Likely benign. Last evaluated: 2025-01-16. Review status: criteria provided, single submitter. Criteria: Invitae Variant Classification Sherloc (09022015). Collection method: clinical testing. Allele origin: germline.

Blueprint Genetics
Classification: Likely benign. Last evaluated: 2024-10-22. Review status: criteria provided, single submitter. Criteria: ACMG Guidelines, 2015. Collection method: clinical testing. Allele origin: germline.